The following is an entry in ClinVar:

NM_001378477.3(NYX):c.-57+95T>C

Gene: NYX (nyctalopin; plus strand). Cytogenetic location: Xp11.4.
Variant type: single nucleotide variant.
Coding change: c.-57+95T>C on transcript NM_001378477.3 (MANE Select); 95 bases into the intron after 57 bases upstream of the start codon, T replaced by C.
Molecular consequence: intron variant. On other transcripts: 5 prime UTR variant (1).
Genome position (GRCh38, 1-based): chrX:41,447,611, T>C. VCF-style: chrX-41447611-T-C. GRCh37 (hg19) VCF-style: chrX-41306864-T-C.
Other names: c.-294T>C (NM_022567.3).
Identifiers: ClinVar variation 368266 (VCV000368266.8), dbSNP rs3013122, ClinGen allele CA10654310.

ClinVar aggregate classification (germline): Benign. Review status: criteria provided, multiple submitters, no conflicts (2 of 4 stars). 3 submissions from 3 submitters: Benign (3). Last evaluated 2018-11-12.

Conditions:
Congenital stationary night blindness 1A (CSNB1A). Also called: Night blindness, congenital stationary (complete), 1A, X-linked; CSNB, COMPLETE, X-LINKED; HEMERALOPIA-MYOPIA; MYOPIA-NIGHT BLINDNESS; NIGHT BLINDNESS, CONGENITAL STATIONARY, WITH MYOPIA; NYX-Related X-Linked Congenital Stationary Night Blindness. Identifiers: Orphanet 215, MedGen C3495587, MONDO:0010690, OMIM 310500.

Allele frequency attached by ClinVar (database versions not stated): TOPMed 0.28108; gnomAD 0.28228 and 0.29411; 1000 Genomes Project 30x 0.36670; gnomAD exomes 0.36761; 1000 Genomes Project 0.37325.
gnomAD v4.1: 134,429 of 389,488 alleles (35%); highest among the groups gnomAD compares: South Asian, 59%; 16,741 homozygotes.

Submissions (3):

GeneDx
Classification: Benign. Last evaluated: 2018-11-12. Review status: criteria provided, single submitter. Criteria: GeneDx Variant Classification Process June 2021. Collection method: clinical testing. Allele origin: germline. Affected: yes.

Illumina Laboratory Services, Illumina
Classification: Benign for Congenital stationary night blindness 1A. Last evaluated: 2017-04-27. Review status: criteria provided, single submitter. Criteria: ICSL Variant Classification Criteria 13 December 2019. Collection method: clinical testing. Allele origin: germline.
Comment: This variant was observed as part of a predisposition screen in an ostensibly healthy population. A literature search was performed for the gene, cDNA change, and amino acid change (where applicable). No publications were found based on this search. Allele frequency data from public databases was too high to be consistent with this variant causing disease. Therefore, this variant is classified as benign.

Breakthrough Genomics
Classification: Benign. Review status: criteria provided, single submitter. Criteria: ACMG Guidelines, 2015. Collection method: not provided. Allele origin: germline. Inheritance: X-linked inheritance. Affected: yes.